The following is an entry in ClinVar:

ClinVar aggregate classification (germline): Pathogenic (1 of 4 stars; one submission).

Allele frequency attached by ClinVar (database versions not stated): gnomAD 0.00001; TOPMed 0.00001.
gnomAD v4.1: 12 of 1,568,806 alleles (0.00076%); highest among the groups gnomAD compares: Non-Finnish European, 0.001%; no homozygotes.

Submission:

Labcorp Genetics (formerly Invitae), Labcorp
Classification: Pathogenic. Last evaluated: 2023-09-30. Review status: criteria provided, single submitter. Criteria: Invitae Variant Classification Sherloc (09022015). Collection method: clinical testing. Allele origin: germline.
Comment: This sequence change creates a premature translational stop signal (p.Gln17*) in the ADSSL1 gene. It is expected to result in an absent or disrupted protein product. Loss-of-function variants in ADSSL1 are known to be pathogenic (PMID: 26506222). This variant is present in population databases (no rsID available, gnomAD 0.003%). This variant has not been reported in the literature in individuals affected with ADSSL1-related conditions. Algorithms developed to predict the effect of sequence changes on RNA splicing suggest that this variant may create or strengthen a splice site. For these reasons, this variant has been classified as Pathogenic.

Literature cited by the submitters: PubMed 26506222.

NM_152328.5(ADSS1):c.193-5079C>T

Gene: ADSS1 (adenylosuccinate synthase 1; plus strand). Cytogenetic location: 14q32.33.
Variant type: single nucleotide variant.
Coding change: c.193-5079C>T on transcript NM_152328.5 (MANE Select); 5079 bases into the intron before coding-DNA position 193, C replaced by T.
Molecular consequence: intron variant. On other transcripts: 5 prime UTR variant (1), nonsense (1).
Genome position (GRCh38, 1-based): chr14:104,729,941, C>T. VCF-style: chr14-104729941-C-T. GRCh37 (hg19) VCF-style: chr14-105196278-C-T.
Other names: c.-679C>T (NM_001320424.1); c.49C>T, p.Gln17Ter (NM_199165.2); short protein forms Q17*.
Identifiers: ClinVar variation 2978241 (VCV002978241.3), dbSNP rs1415601575, ClinGen allele CA391232428.